The following is an entry in ClinVar:

ClinVar aggregate classification (germline): Uncertain significance. Review status: criteria provided, multiple submitters, no conflicts (2 of 4 stars). 2 submissions from 2 submitters: Uncertain significance (2). Last evaluated 2025-07-18.

Conditions:
Hereditary cancer-predisposing syndrome. Also called: Hereditary neoplastic syndrome; Neoplastic Syndromes, Hereditary; Hereditary Cancer Syndrome; Tumor predisposition. Identifiers: Orphanet 140162, MedGen C0027672, MeSH D009386, MONDO:0015356.

Submissions (2):

Ambry Genetics
Classification: Uncertain significance for Hereditary cancer-predisposing syndrome. Last evaluated: 2025-07-18. Review status: criteria provided, single submitter. Criteria: Ambry Variant Classification Scheme 2023. Collection method: clinical testing. Allele origin: germline.
Comment: The p.A276S variant (also known as c.826G>T), located in coding exon 2 of the HOXB13 gene, results from a G to T substitution at nucleotide position 826. The alanine at codon 276 is replaced by serine, an amino acid with similar properties. This amino acid position is not well conserved in available vertebrate species. In addition, this alteration is predicted to be tolerated by in silico analysis. Based on the available evidence, the clinical significance of this variant remains unclear.

Labcorp Genetics (formerly Invitae), Labcorp
Classification: Uncertain significance. Last evaluated: 2023-05-31. Review status: criteria provided, single submitter. Criteria: Invitae Variant Classification Sherloc (09022015). Collection method: clinical testing. Allele origin: germline.
Comment: This sequence change replaces alanine, which is neutral and non-polar, with serine, which is neutral and polar, at codon 276 of the HOXB13 protein (p.Ala276Ser). This variant is not present in population databases (gnomAD no frequency). In summary, the available evidence is currently insufficient to determine the role of this variant in disease. Therefore, it has been classified as a Variant of Uncertain Significance. Advanced modeling of protein sequence and biophysical properties (such as structural, functional, and spatial information, amino acid conservation, physicochemical variation, residue mobility, and thermodynamic stability) performed at Invitae indicates that this missense variant is not expected to disrupt HOXB13 protein function. ClinVar contains an entry for this variant (Variation ID: 1486102). This variant has not been reported in the literature in individuals affected with HOXB13-related conditions.

NM_006361.6(HOXB13):c.826G>T (p.Ala276Ser)

Gene: HOXB13 (homeobox B13; minus strand). Cytogenetic location: 17q21.32.
Variant type: single nucleotide variant.
Coding change: c.826G>T on transcript NM_006361.6 (MANE Select); coding-DNA position 826, G replaced by T.
Protein change: p.Ala276Ser; replaces alanine 276 with serine.
Molecular consequence: missense variant.
Genome position (GRCh38, 1-based): chr17:48,726,819, C>A on the plus strand (G>T on the coding strand, the complement: HOXB13 is on the minus strand). VCF-style: chr17-48726819-C-A. GRCh37 (hg19) VCF-style: chr17-46804181-C-A.
Other names: c.826G>T (NM_006361.5); short protein forms A276S.
Identifiers: ClinVar variation 1486102 (VCV001486102.9), dbSNP rs191886930, ClinGen allele CA400105362.
Genomic context (GRCh38, chr17:48,726,819, plus strand): 5'-TTCGCTCCTCCCACCCAGGCAAGGAGATCTCTTAAGGGGTAGCGCTGTTCTTCACCTTGG[C>A]GAGAACCTTCTTCTCTTTGACCCGGCGGTTCTGAAACCAGATGGTAATCTGGCGCTCCGA-3'
Protein context (NP_006352.2, residues 266-284): NRRVKEKKVL[Ala276Ser]KVKNSATP